The following is an entry in ClinVar:

ClinVar aggregate classification (germline): Conflicting classifications of pathogenicity. Review status: criteria provided, conflicting classifications (1 of 4 stars). 2 submissions from 1 submitter: Uncertain significance (1); Benign (1). Last evaluated 2018-01-12.

Conditions:
Aortic aneurysm, familial thoracic 6 (AAT6). Also called: FAMILIAL THORACIC AORTIC ANEURYSM WITH LIVEDO RETICULARIS AND IRIS FLOCCULI. Identifiers: MedGen C2673186, MONDO:0012730, OMIM 611788.
Multisystemic smooth muscle dysfunction syndrome (SMDYS). Also called: MYDRIASIS, CONGENITAL, WITH PATENT DUCTUS ARTERIOSUS, THORACIC AORTIC ANEURYSM, AND VASCULOPATHY; SMOOTH MUSCLE DYSFUNCTION SYNDROME. Identifiers: Orphanet 404463, MedGen C3151201, MONDO:0013452, OMIM 613834.

Allele frequency attached by ClinVar (database versions not stated): 1000 Genomes Project 30x 0.00031; 1000 Genomes Project 0.00040; TOPMed 0.00045.
gnomAD v4.1: 1,293 of 1,505,244 alleles (0.086%); highest among the groups gnomAD compares: Non-Finnish European, 0.087%; no homozygotes.

Submissions (2):

Illumina Laboratory Services, Illumina
Classification: Benign for Multisystemic smooth muscle dysfunction syndrome. Last evaluated: 2018-01-12. Review status: criteria provided, single submitter. Criteria: ICSL Variant Classification Criteria 13 December 2019. Collection method: clinical testing. Allele origin: germline.
Comment: This variant was observed in the ICSL laboratory as part of a predisposition screen in an ostensibly healthy population. It had not been previously curated by ICSL or reported in the Human Gene Mutation Database (HGMD: prior to June 1st, 2018), and was therefore a candidate for classification through an automated scoring system. Utilizing variant allele frequency, disease prevalence and penetrance estimates, and inheritance mode, an automated score was calculated to assess if this variant is too frequent to cause the disease. Based on the score and internal cut-off values, a variant classified as benign is not then subjected to further curation. The score for this variant resulted in a classification of benign for this disease.

Illumina Laboratory Services, Illumina
Classification: Uncertain significance for Aortic aneurysm, familial thoracic 6. Last evaluated: 2018-01-12. Review status: criteria provided, single submitter. Criteria: ICSL Variant Classification Criteria 13 December 2019. Collection method: clinical testing. Allele origin: germline.

NM_001613.4(ACTA2):c.*105G>T

Genes: ACTA2-AS1 (ACTA2 antisense RNA 1; plus strand), ACTA2 (actin alpha 2, smooth muscle; minus strand). Cytogenetic location: 10q23.31.
Variant type: single nucleotide variant.
Coding change: c.*105G>T on transcript NM_001613.4 (MANE Select); 105 bases downstream of the stop codon, G replaced by T.
Molecular consequence: 3 prime UTR variant. On other transcripts: non-coding transcript variant (1).
Genome position (GRCh38, 1-based): chr10:88,935,118, C>A on the plus strand (G>T on the coding strand, the complement: ACTA2 is on the minus strand). VCF-style: chr10-88935118-C-A. GRCh37 (hg19) VCF-style: chr10-90694875-C-A.
Other names: c.*105G>T (NM_001141945.3, NM_001320855.2, NM_001406462.1 and 7 more transcripts).
Identifiers: ClinVar variation 301504 (VCV000301504.7), dbSNP rs149059995, ClinGen allele CA10636444.